The following is an entry in ClinVar:

ClinVar aggregate classification (germline): Uncertain significance (1 of 4 stars; one submission).

Allele frequency attached by ClinVar (database versions not stated): gnomAD exomes below 0.00001.
gnomAD v4.1: 2 of 1,613,870 alleles (0.00012%); highest among the groups gnomAD compares: African/African-American, 0.0013%; no homozygotes.

Submission:

Labcorp Genetics (formerly Invitae), Labcorp
Classification: Uncertain significance. Last evaluated: 2022-08-09. Review status: criteria provided, single submitter. Criteria: Invitae Variant Classification Sherloc (09022015). Collection method: clinical testing. Allele origin: germline.
Comment: This variant is not present in population databases (gnomAD no frequency). In summary, the available evidence is currently insufficient to determine the role of this variant in disease. Therefore, it has been classified as a Variant of Uncertain Significance. Variants that disrupt the consensus splice site are a relatively common cause of aberrant splicing (PMID: 17576681, 9536098). Algorithms developed to predict the effect of sequence changes on RNA splicing suggest that this variant is not likely to affect RNA splicing. ClinVar contains an entry for this variant (Variation ID: 1387470). This variant has not been reported in the literature in individuals affected with XPO5-related conditions. This sequence change falls in intron 3 of the XPO5 gene. It does not directly change the encoded amino acid sequence of the XPO5 protein. It affects a nucleotide within the consensus splice site.

Literature cited by the submitters: PubMed 17576681; PubMed 9536098.

NM_020750.3(XPO5):c.300+6G>A

Gene: XPO5 (exportin 5; minus strand). Cytogenetic location: 6p21.1.
Variant type: single nucleotide variant.
Coding change: c.300+6G>A on transcript NM_020750.3 (MANE Select); 6 bases into the intron after coding-DNA position 300, G replaced by A.
Molecular consequence: intron variant.
Genome position (GRCh38, 1-based): chr6:43,572,500, C>T on the plus strand (G>A on the coding strand, the complement: XPO5 is on the minus strand). VCF-style: chr6-43572500-C-T. GRCh37 (hg19) VCF-style: chr6-43540237-C-T.
Identifiers: ClinVar variation 1387470 (VCV001387470.7), dbSNP rs2127757976, ClinGen allele CA2573140827.